The following is an entry in ClinVar:

NM_001130987.2(DYSF):c.697A>T (p.Lys233Ter)

Gene: DYSF (dysferlin; plus strand). Cytogenetic location: 2p13.2.
Variant type: single nucleotide variant.
Coding change: c.697A>T on transcript NM_001130987.2 (MANE Select); coding-DNA position 697, A replaced by T.
Protein change: p.Lys233Ter; replaces lysine 233 with a stop codon.
Molecular consequence: nonsense.
Genome position (GRCh38, 1-based): chr2:71,513,859, A>T. VCF-style: chr2-71513859-A-T. GRCh37 (hg19) VCF-style: chr2-71740989-A-T.
Other names: c.604A>T, p.Lys202Ter (NM_001130455.2, NM_001130983.2, NM_001130984.2 and 1 more transcripts); c.601A>T, p.Lys201Ter (NM_001130976.2, NM_001130977.2, NM_001130978.2 and 1 more transcripts); c.694A>T, p.Lys232Ter (NM_001130979.2, NM_001130980.2, NM_001130981.2); c.697A>T, p.Lys233Ter (NM_001130982.2, NM_001130985.2); short protein forms K201*, K202*, K232*, K233*.
Identifiers: ClinVar variation 1724817 (VCV001724817.3), dbSNP rs2545396702, ClinGen allele CA347207385.

ClinVar aggregate classification (germline): Likely pathogenic (1 of 4 stars; one submission).

Conditions:
Autosomal recessive limb-girdle muscular dystrophy. Identifiers: Orphanet 102015, MedGen C2931907, MONDO:0015152.

Submission:

Myriad Genetics, Inc.
Classification: Likely pathogenic for Autosomal recessive limb-girdle muscular dystrophy. Last evaluated: 2022-02-28. Review status: criteria provided, single submitter. Criteria: Myriad Autosomal Dominant, Autosomal Recessive and X-Linked Classification Criteria (2023). Collection method: clinical testing. Allele origin: unknown.
Comment: NM_003494.3(DYSF):c.601A>T(K201*) is expected to be pathogenic in the context of dysferlinopathy. This variant is predicted to lead to an abnormal or absent protein product due to the creation of a premature termination codon in DYSF, a gene where loss-of-function variants are known to be pathogenic. Please note: this variant was assessed in the context of healthy population screening.